The following is an entry in ClinVar:

ClinVar aggregate classification (germline): Uncertain significance (1 of 4 stars; one submission).

Conditions:
Hereditary cancer-predisposing syndrome. Also called: Neoplastic Syndromes, Hereditary; Tumor predisposition; Hereditary Cancer Syndrome; Hereditary neoplastic syndrome. Identifiers: Orphanet 140162, MedGen C0027672, MeSH D009386, MONDO:0015356.

Submission:

Ambry Genetics
Classification: Uncertain significance for Hereditary cancer-predisposing syndrome. Last evaluated: 2026-03-12. Review status: criteria provided, single submitter. Criteria: Ambry Variant Classification Scheme 2023. Collection method: clinical testing. Allele origin: germline.
Comment: The p.K806E variant (also known as c.2416A>G), located in coding exon 10 of the AXIN2 gene, results from an A to G substitution at nucleotide position 2416. The lysine at codon 806 is replaced by glutamic acid, an amino acid with similar properties. This amino acid position is conserved. In addition, this alteration is predicted to be deleterious by in silico analysis. Based on the available evidence, the clinical significance of this variant remains unclear.

NM_004655.4(AXIN2):c.2416A>G (p.Lys806Glu)

Gene: AXIN2 (axin 2; minus strand). Cytogenetic location: 17q24.1.
Variant type: single nucleotide variant.
Coding change: c.2416A>G on transcript NM_004655.4 (MANE Select); coding-DNA position 2416, A replaced by G.
Protein change: p.Lys806Glu; replaces lysine 806 with glutamic acid.
Molecular consequence: missense variant.
Genome position (GRCh38, 1-based): chr17:65,530,092, T>C on the plus strand (A>G on the coding strand, the complement: AXIN2 is on the minus strand). VCF-style: chr17-65530092-T-C. GRCh37 (hg19) VCF-style: chr17-63526210-T-C.
Other names: c.2221A>G, p.Lys741Glu (NM_001363813.1); short protein forms K741E, K806E.
Identifiers: ClinVar variation 4826951 (VCV004826951.1).